The following is an entry in ClinVar:

ClinVar aggregate classification (germline): Uncertain significance (1 of 4 stars; one submission).

Conditions:
TTC8-related disorder. Also called: TTC8-related condition.

Submission:

PreventionGenetics, part of Exact Sciences
Classification: Uncertain significance for TTC8-related condition. Last evaluated: 2025-03-31. Review status: criteria provided, single submitter. Criteria: ACMG Guidelines, 2015. Collection method: clinical testing. Allele origin: germline.
Comment: The TTC8 c.1049G>A variant is predicted to result in the amino acid substitution p.Arg350Lys. To our knowledge, this variant has not been reported in the literature or in a large population database (gnomAD), indicating this variant is rare. At this time, the clinical significance of this variant is uncertain due to the absence of conclusive functional and genetic evidence.

NM_144596.4(TTC8):c.1049G>A (p.Arg350Lys)

Gene: TTC8 (tetratricopeptide repeat domain 8; plus strand). Cytogenetic location: 14q31.3.
Variant type: single nucleotide variant.
Coding change: c.1049G>A on transcript NM_144596.4 (MANE Select); coding-DNA position 1049, G replaced by A.
Protein change: p.Arg350Lys; replaces arginine 350 with lysine.
Molecular consequence: missense variant. On other transcripts: non-coding transcript variant (1).
Genome position (GRCh38, 1-based): chr14:88,870,198, G>A. VCF-style: chr14-88870198-G-A. GRCh37 (hg19) VCF-style: chr14-89336542-G-A.
Other names: c.1097G>A, p.Arg366Lys (NM_001288781.1); c.455G>A, p.Arg152Lys (NM_001288782.1); c.332G>A, p.Arg111Lys (NM_001288783.1); c.1019G>A, p.Arg340Lys (NM_001366535.2, NM_198309.3); c.929G>A, p.Arg310Lys (NM_001366536.2, NM_198310.3); short protein forms R152K, R310K, R350K, R340K, R111K, R366K.
Identifiers: ClinVar variation 4989987 (VCV004989987.1).